The following is an entry in ClinVar:

NC_000001.10:g.(?_26126650)_(26126749_?)del

Gene: SELENON (selenoprotein N; plus strand). Cytogenetic location: 1p36.11.
Variant type: Deletion.
Identifiers: ClinVar variation 3247693 (VCV003247693.1).

ClinVar aggregate classification (germline): Pathogenic (1 of 4 stars; one submission).

Conditions:
Eichsfeld type congenital muscular dystrophy (CMYO3). Also called: SELENON-related myopathy; Congenital myopathy 3 with rigid spine; MYOPATHY, SEPN1-RELATED; Rigid spine muscular dystrophy 1. Identifiers: MedGen C0410180, MONDO:0100100, OMIM 602771.

Submission:

Labcorp Genetics (formerly Invitae), Labcorp
Classification: Pathogenic for Eichsfeld type congenital muscular dystrophy. Last evaluated: 2019-03-07. Review status: criteria provided, single submitter. Criteria: Invitae Variant Classification Sherloc (09022015). Collection method: clinical testing. Allele origin: unknown.
Comment: For these reasons, this variant has been classified as Pathogenic. Loss-of-function variants in SELENON are known to be pathogenic (PMID: 21131290, 21670436). This variant has not been reported in the literature in individuals with SELENON-related disease. This variant is a gross deletion of the genomic region encompassing part of exon 1 (c.-64_36del) of the SELENON gene.¬†This is expected to result in an absent or disrupted protein product.

Literature cited by the submitters: PubMed 21131290; PubMed 21670436.